The following is an entry in ClinVar:

ClinVar aggregate classification (germline): Pathogenic. Review status: criteria provided, multiple submitters, no conflicts (2 of 4 stars). 2 submissions from 2 submitters: Pathogenic (2). Last evaluated 2026-03-23.

Conditions:
PMM2-congenital disorder of glycosylation. Also called: PMM2-CDG; CDG Ia; JAEKEN SYNDROME; PHOSPHOMANNOMUTASE 2 DEFICIENCY; Congenital disorder of glycosylation, type Ia; CARBOHYDRATE-DEFICIENT GLYCOPROTEIN SYNDROME, TYPE Ia. Identifiers: Orphanet 79318, MedGen C0349653, MONDO:0008907, OMIM 212065.

Allele frequency attached by ClinVar (database versions not stated): ExAC 0.00001.
gnomAD v4.1: 3 of 1,610,784 alleles (0.00019%); highest among the groups gnomAD compares: East Asian, 0.0022%; no homozygotes.

Submissions (2):

Stanford Starfish Project, Stanford University
Classification: Pathogenic for PMM2-congenital disorder of glycosylation. Last evaluated: 2026-03-23. Review status: criteria provided, single submitter. Criteria: ACMG Guidelines, 2015. Collection method: provider interpretation. Allele origin: maternal. Inheritance: Autosomal recessive inheritance. Affected: yes. Observed: 1 variant allele, 1 compound heterozygote.
Comment: This variant is predicted to result in the substitution of aspartic acid, which is acidic and polar, with histidine, which is basic and polar, at amino acid 12 (p.Asp12His). This variant is rare in large population databases with an allele frequency of 0.00002233 in East Asian populations. See Observation 1 for details on clinical features. Variant confirmed to be in trans with pathogenic PMM2 variant (c.484C>T, p.Arg162Trp)

Labcorp Genetics (formerly Invitae), Labcorp
Classification: Pathogenic for PMM2-congenital disorder of glycosylation. Last evaluated: 2023-12-22. Review status: criteria provided, single submitter. Criteria: Invitae Variant Classification Sherloc (09022015). Collection method: clinical testing. Allele origin: germline.
Comment: This sequence change replaces aspartic acid, which is acidic and polar, with histidine, which is basic and polar, at codon 12 of the PMM2 protein (p.Asp12His). This variant is present in population databases (rs755237333, gnomAD 0.003%). This missense change has been observed in individual(s) with PMM2-congenital disorder of glycosylation (PMID: 33583911; Invitae). In at least one individual the data is consistent with being in trans (on the opposite chromosome) from a pathogenic variant. ClinVar contains an entry for this variant (Variation ID: 2098914). Advanced modeling of protein sequence and biophysical properties (such as structural, functional, and spatial information, amino acid conservation, physicochemical variation, residue mobility, and thermodynamic stability) performed at Invitae indicates that this missense variant is not expected to disrupt PMM2 protein function with a negative predictive value of 80%. For these reasons, this variant has been classified as Pathogenic.

Literature cited by the submitters: PubMed 33583911 (cited by Labcorp Genetics (formerly Invitae), Labcorp).

NM_000303.3(PMM2):c.34G>C (p.Asp12His)

Gene: PMM2 (phosphomannomutase 2; plus strand). Cytogenetic location: 16p13.2.
Variant type: single nucleotide variant.
Coding change: c.34G>C on transcript NM_000303.3 (MANE Select); coding-DNA position 34, G replaced by C.
Protein change: p.Asp12His; replaces aspartic acid 12 with histidine.
Molecular consequence: missense variant.
Genome position (GRCh38, 1-based): chr16:8,797,916, G>C. VCF-style: chr16-8797916-G-C. GRCh37 (hg19) VCF-style: chr16-8891773-G-C.
Other names: c.34G>C (NM_000303.2); short protein forms D12H.
Identifiers: ClinVar variation 2098914 (VCV002098914.5), dbSNP rs755237333, ClinGen allele CA7893854.